The following is an entry in ClinVar:

ClinVar aggregate classification (germline): Uncertain significance. Review status: criteria provided, multiple submitters, no conflicts (2 of 4 stars). 2 submissions from 2 submitters: Uncertain significance (2). Last evaluated 2025-08-27.

Conditions:
Familial adenomatous polyposis 2. Also called: COLORECTAL ADENOMATOUS POLYPOSIS, AUTOSOMAL RECESSIVE; ADENOMAS, MULTIPLE COLORECTAL, AUTOSOMAL RECESSIVE; MYH-associated polyposis; MUTYH-associated polyposis; MUTYH-related attenuated familial adenomatous polyposis; FAP type 2. Identifiers: Orphanet 220460, Orphanet 247798, MedGen C3272841, MONDO:0012041, OMIM 608456.
Hereditary cancer-predisposing syndrome. Also called: Tumor predisposition; Neoplastic Syndromes, Hereditary; Hereditary Cancer Syndrome; Hereditary neoplastic syndrome. Identifiers: Orphanet 140162, MedGen C0027672, MeSH D009386, MONDO:0015356.

Submissions (2):

Ambry Genetics
Classification: Uncertain significance for Hereditary cancer-predisposing syndrome. Last evaluated: 2025-08-27. Review status: criteria provided, single submitter. Criteria: Ambry Variant Classification Scheme 2023. Collection method: clinical testing. Allele origin: germline.
Comment: The p.Q209H variant (also known as c.627G>T), located in coding exon 8 of the MUTYH gene, results from a G to T substitution at nucleotide position 627. The glutamine at codon 209 is replaced by histidine, an amino acid with highly similar properties. This amino acid position is conserved. In addition, the in silico prediction for this alteration is inconclusive. Based on the available evidence, the clinical significance of this variant remains unclear.

Revvity Omics, Revvity
Classification: Uncertain significance for Familial adenomatous polyposis 2. Last evaluated: 2023-09-04. Review status: criteria provided, single submitter. Criteria: ACMG Guidelines, 2015. Collection method: clinical testing. Allele origin: germline.

NM_001048174.2(MUTYH):c.543G>T (p.Gln181His)

Gene: MUTYH (mutY DNA glycosylase; minus strand). Cytogenetic location: 1p34.1.
Variant type: single nucleotide variant.
Coding change: c.543G>T on transcript NM_001048174.2 (MANE Select); coding-DNA position 543, G replaced by T.
Protein change: p.Gln181His; replaces glutamine 181 with histidine.
Molecular consequence: missense variant. On other transcripts: non-coding transcript variant (7).
Genome position (GRCh38, 1-based): chr1:45,332,637, C>A on the plus strand (G>T on the coding strand, the complement: MUTYH is on the minus strand). VCF-style: chr1-45332637-C-A. GRCh37 (hg19) VCF-style: chr1-45798309-C-A.
Other names: c.543G>T, p.Gln181His (NM_001048171.2, NM_001048173.2, NM_001293195.2 and 6 more transcripts); c.546G>T, p.Gln182His (NM_001048172.2, NM_001407071.1, NM_001407078.1 and 1 more transcripts); c.627G>T, p.Gln209His (NM_001128425.2); c.588G>T, p.Gln196His (NM_001293190.2); c.576G>T, p.Gln192His (NM_001293191.2, NM_001407069.1, NM_001407077.1); c.267G>T, p.Gln89His (NM_001293192.2, NM_001293196.2, NM_001407091.1); c.198G>T, p.Gln66His (NM_001350650.2, NM_001350651.2, NM_001407082.1); c.459G>T, p.Gln153His (NM_001407075.1); and 5 more; short protein forms Q153H, Q167H, Q168H, Q181H, Q182H, Q188H, Q192H, Q195H.
Identifiers: ClinVar variation 4079295 (VCV004079295.2).
Genomic context (GRCh38, chr1:45,332,637, plus strand): 5'-GCCAAAGGCGATAGAGGCAATGGCCCCAGCTGTGTAGCGCCCCACGCCAGGCAGGAGCTG[C>A]TGCAGGGTCTCTGCTGTACGTGGCATGTGGCCCCCTAGCTCCTCTACCACCTGATTGGAG-3'
Protein context (NP_001041639.1, residues 171-191): GHMPRTAETL[Gln181His]QLLPGVGRYT